The following is an entry in ClinVar:

ClinVar aggregate classification (germline): Likely benign. Review status: criteria provided, single submitter (1 of 4 stars). 2 submissions from 2 submitters: Likely benign (1). 1 of the submissions does not count toward it. Last evaluated 2026-03-01.

Conditions:
ITSN1-related disorder. Also called: ITSN1-related condition.

Allele frequency attached by ClinVar (database versions not stated): 1000 Genomes Project 0.00080; TOPMed 0.00082; ExAC 0.00091; gnomAD 0.00112; 1000 Genomes Project 30x 0.00125; ESP Exome Variant Server 0.00131.
gnomAD v4.1: 1,618 of 1,613,824 alleles (0.1%); highest among the groups gnomAD compares: Non-Finnish European, 0.12%; 2 homozygotes.

Submissions (2):

CeGaT Center for Human Genetics Tuebingen
Classification: Likely benign. Last evaluated: 2026-03-01. Review status: criteria provided, single submitter. Criteria: CeGaT Center For Human Genetics Tuebingen Variant Classification Criteria Version 2. Collection method: clinical testing. Allele origin: germline. Affected: yes. Observed: 2 variant alleles.
Comment: ITSN1: BP4, BP7, BS1

PreventionGenetics, part of Exact Sciences
Classification: Likely benign for ITSN1-related condition. Last evaluated: 2023-12-05. Review status: no assertion criteria provided. Collection method: clinical testing. Allele origin: germline. Not counted in ClinVar's aggregate classification.
Comment: This variant is classified as likely benign based on ACMG/AMP sequence variant interpretation guidelines (Richards et al. 2015 PMID: 25741868, with internal and published modifications).

NM_003024.3(ITSN1):c.297C>G (p.Pro99=)

Gene: ITSN1 (intersectin 1; plus strand). Cytogenetic location: 21q22.11.
Variant type: single nucleotide variant.
Coding change: c.297C>G on transcript NM_003024.3 (MANE Select); coding-DNA position 297, C replaced by G.
Protein change: p.Pro99=; no amino-acid change (proline 99 retained).
Molecular consequence: synonymous variant.
Genome position (GRCh38, 1-based): chr21:33,735,155, C>G. VCF-style: chr21-33735155-C-G. GRCh37 (hg19) VCF-style: chr21-35107460-C-G.
Other names: c.297C>G, p.Pro99= (NM_001001132.2, NM_001331008.2, NM_001331009.2 and 3 more transcripts).
Identifiers: ClinVar variation 3038709 (VCV003038709.9), dbSNP rs138677260, ClinGen allele CA10011240.